The following is an entry in ClinVar:

NM_000245.4(MET):c.3687G>C (p.Met1229Ile)

Gene: MET (MET proto-oncogene, receptor tyrosine kinase; plus strand). Cytogenetic location: 7q31.2.
Variant type: single nucleotide variant.
Coding change: c.3687G>C on transcript NM_000245.4 (MANE Select); coding-DNA position 3687, G replaced by C.
Protein change: p.Met1229Ile; replaces methionine 1229 with isoleucine.
Molecular consequence: missense variant.
Genome position (GRCh38, 1-based): chr7:116,783,358, G>C. VCF-style: chr7-116783358-G-C. GRCh37 (hg19) VCF-style: chr7-116423412-G-C.
Other names: c.3741G>C, p.Met1247Ile (NM_001127500.3); c.2397G>C, p.Met799Ile (NM_001324402.2); short protein forms M1229I, M799I, M1247I.
Identifiers: ClinVar variation 3702067 (VCV003702067.2).

ClinVar aggregate classification (germline): Uncertain significance (1 of 4 stars; one submission).

Conditions:
Renal cell carcinoma. Identifiers: Orphanet 217071, MedGen C0007134, MeSH D002292, MONDO:0005086, HP:0005584.

Submission:

Labcorp Genetics (formerly Invitae), Labcorp
Classification: Uncertain significance for Renal cell carcinoma. Last evaluated: 2024-08-15. Review status: criteria provided, single submitter. Criteria: Invitae Variant Classification Sherloc (09022015). Collection method: clinical testing. Allele origin: germline.
Comment: This sequence change replaces methionine, which is neutral and non-polar, with isoleucine, which is neutral and non-polar, at codon 1247 of the MET protein (p.Met1247Ile). This variant is not present in population databases (gnomAD no frequency). This variant has not been reported in the literature in individuals affected with MET-related conditions. Invitae Evidence Modeling of protein sequence and biophysical properties (such as structural, functional, and spatial information, amino acid conservation, physicochemical variation, residue mobility, and thermodynamic stability) indicates that this missense variant is not expected to disrupt MET protein function with a negative predictive value of 80%. In summary, the available evidence is currently insufficient to determine the role of this variant in disease. Therefore, it has been classified as a Variant of Uncertain Significance.